The following is an entry in ClinVar:

NM_002582.4(PARN):c.170T>C (p.Leu57Pro)

Gene: PARN (poly(A)-specific ribonuclease; minus strand). Cytogenetic location: 16p13.12.
Variant type: single nucleotide variant.
Coding change: c.170T>C on transcript NM_002582.4 (MANE Select); coding-DNA position 170, T replaced by C.
Protein change: p.Leu57Pro; replaces leucine 57 with proline.
Molecular consequence: missense variant. On other transcripts: 5 prime UTR variant (1), intron variant (1).
Genome position (GRCh38, 1-based): chr16:14,628,179, A>G on the plus strand (T>C on the coding strand, the complement: PARN is on the minus strand). VCF-style: chr16-14628179-A-G. GRCh37 (hg19) VCF-style: chr16-14722036-A-G.
Other names: c.-14T>C (NM_001134477.3); c.158+12T>C (NM_001242992.2); short protein forms L57P.
Identifiers: ClinVar variation 1499189 (VCV001499189.8), dbSNP rs2151824639, ClinGen allele CA394816782.

ClinVar aggregate classification (germline): Uncertain significance (1 of 4 stars; one submission).

Conditions:
Dyskeratosis congenita, autosomal recessive 6 (DKCB6). Identifiers: MedGen C4225356, MONDO:0014600, OMIM 616353.
Pulmonary fibrosis and/or bone marrow failure, Telomere-related, 4. Also called: PULMONARY FIBROSIS AND/OR BONE MARROW FAILURE SYNDROME, TELOMERE-RELATED, 4. Identifiers: Orphanet 2032, MedGen C4225347, MONDO:0014612, OMIM 616371.

Submission:

Labcorp Genetics (formerly Invitae), Labcorp
Classification: Uncertain significance for Dyskeratosis congenita, autosomal recessive 6; Pulmonary fibrosis and/or bone marrow failure, Telomere-related, 4. Last evaluated: 2020-12-31. Review status: criteria provided, single submitter. Criteria: Invitae Variant Classification Sherloc (09022015). Collection method: clinical testing. Allele origin: germline.
Comment: In summary, the available evidence is currently insufficient to determine the role of this variant in disease. Therefore, it has been classified as a Variant of Uncertain Significance. Algorithms developed to predict the effect of missense changes on protein structure and function are either unavailable or do not agree on the potential impact of this missense change (SIFT: "Deleterious"; PolyPhen-2: "Probably Damaging"; Align-GVGD: "Class C0"). This variant has not been reported in the literature in individuals with PARN-related conditions. This variant is not present in population databases (ExAC no frequency). This sequence change replaces leucine with proline at codon 57 of the PARN protein (p.Leu57Pro). The leucine residue is highly conserved and there is a moderate physicochemical difference between leucine and proline.